The following is an entry in ClinVar:

NM_001039591.3(USP9X):c.1738_1741del (p.Phe580fs)

Gene: USP9X (ubiquitin specific peptidase 9 X-linked; plus strand). Cytogenetic location: Xp11.4.
Variant type: Microsatellite.
Coding change: c.1738_1741del on transcript NM_001039591.3 (MANE Select); coding-DNA positions 1738 to 1741, 4 bases deleted (TTTG; older notation c.1738_1741delTTTG).
Protein change: p.Phe580fs; shifts the reading frame from phenylalanine 580.
Molecular consequence: frameshift variant.
Genome position (GRCh38, 1-based): chrX:41,151,032-41,151,035, TTTG deleted; deleting any 4 consecutive bases within chrX:41,151,027-41,151,035 gives the same sequence; the c. name uses the placement nearest the transcript's 3' end. VCF-style (leftmost placement, unchanged base first): chrX-41151026-AGTTT-A. GRCh37 (hg19) VCF-style: chrX-41010279-AGTTT-A.
Other names: c.1738_1741del, p.Phe580fs (NM_001039590.3, NM_001410748.1, NM_001410749.1); short protein forms F580fs.
Identifiers: ClinVar variation 3235897 (VCV003235897.1), dbSNP rs1431284689, ClinGen allele CA641473221.

ClinVar aggregate classification (germline): Likely pathogenic (1 of 4 stars; one submission).

Conditions:
Intellectual developmental disorder, X-linked 99. Also called: Intellectual disability, X-linked 99. Identifiers: Orphanet 777, MedGen C3806746, MONDO:0010487, OMIM 300919.
Intellectual developmental disorder, X-linked 99, syndromic, female-restricted. Also called: Intellectual disability, X-linked 99, syndromic, female-restricted. Identifiers: MedGen C4225416, MONDO:0010502, OMIM 300968.

Submission:

New York Genome Center
Classification: Likely pathogenic for Intellectual developmental disorder, X-linked 99, syndromic, female-restricted; Intellectual developmental disorder, X-linked 99. Last evaluated: 2023-02-27. Review status: criteria provided, single submitter. Criteria: NYGC Assertion Criteria 2020. Collection method: clinical testing. Allele origin: de novo. Affected: yes. Observed: 1 heterozygote. Study: PrenatalSEQ.
Comment: The de novo c.1738_1741del variant identified in the USP9X gene has not previously been reported in individuals affected with USP9X-related intellectual developmental disorder in the literature or public variant repositories (ClinVar and LOVD). The c.1738_1741del variant is observed in 2 alleles (~0.0000046 minor allele frequency with 0 homozygotes/hemizygotes) in population databases (gnomAD v2.1.1 and v3.1.2, TOPMed Freeze 8, All of Us), suggesting it is not a common benign variant in the populations represented in those databases. The c.1738_1741del variant in USP9X is located in exon 13 of this 45-exon gene, predicted to incorporate a premature termination codon (p.(Phe580ValfsTer7)), and is expected to result in loss-of-function via nonsense mediated decay. Multiple loss-of-function variants that are downstream to the c.1738_1741del variant have been reported in the literature [PMID: 33298948, 26833328] and ClinVar [ClinVar ID: 223096] in individuals with female-restricted X-linked syndromic intellectual developmental disorder-99((MRXS99F). Based on available evidence this de novo c.1738_1741del,p.(Phe580ValfsTer7) variant identified in USP9X is classified as Likely Pathogenic.